The following is an entry in ClinVar:

NM_016216.4(DBR1):c.79G>A (p.Gly27Ser)

Genes: DBR1 (debranching RNA lariats 1; minus strand), LOC129937648 (ATAC-STARR-seq lymphoblastoid active region 20601; plus strand). Cytogenetic location: 3q22.3.
Variant type: single nucleotide variant.
Coding change: c.79G>A on transcript NM_016216.4 (MANE Select); coding-DNA position 79, G replaced by A.
Protein change: p.Gly27Ser; replaces glycine 27 with serine.
Molecular consequence: missense variant.
Genome position (GRCh38, 1-based): chr3:138,174,717, C>T on the plus strand (G>A on the coding strand, the complement: DBR1 is on the minus strand). VCF-style: chr3-138174717-C-T. GRCh37 (hg19) VCF-style: chr3-137893559-C-T.
Other names: c.79G>A (NM_016216.3); short protein forms G27S.
Identifiers: ClinVar variation 2055747 (VCV002055747.2), dbSNP rs140271970, ClinGen allele CA2635986.
Genomic context (GRCh38, chr3:138,174,717, plus strand): 5'-CCTCGTTGCGCACCGCCTGGAAGTCGCCGCAGCACAGCAAGAGGTCGACAGGCCCCGGGC[C>T]GCGCCGCTCTGCCAGCGCCAGCGTCTCATAGATCTTATCCAGCTCGCCGTGGCAGCAGCC-3'
Protein context (NP_057300.2, residues 17-37): YETLALAERR[Gly27Ser]PGPVDLLLCC

ClinVar aggregate classification (germline): Uncertain significance. Review status: criteria provided, multiple submitters, no conflicts (2 of 4 stars). 2 submissions from 2 submitters: Uncertain significance (2). Last evaluated 2024-07-31.

Conditions:
Inborn genetic diseases. Identifiers: MedGen C0950123, MeSH D030342.

Allele frequency attached by ClinVar (database versions not stated): 1000 Genomes Project 0.00060; 1000 Genomes Project 30x 0.00062; ESP Exome Variant Server 0.00062.
gnomAD v4.1: 769 of 1,612,738 alleles (0.048%); highest among the groups gnomAD compares: Admixed American, 0.093%; no homozygotes.

Submissions (2):

Ambry Genetics
Classification: Uncertain significance for Inborn genetic diseases. Last evaluated: 2024-07-31. Review status: criteria provided, single submitter. Criteria: Ambry Variant Classification Scheme 2023. Collection method: clinical testing. Allele origin: germline.

Labcorp Genetics (formerly Invitae), Labcorp
Classification: Uncertain significance. Last evaluated: 2022-08-07. Review status: criteria provided, single submitter. Criteria: Invitae Variant Classification Sherloc (09022015). Collection method: clinical testing. Allele origin: germline.
Comment: This sequence change replaces glycine, which is neutral and non-polar, with serine, which is neutral and polar, at codon 27 of the DBR1 protein (p.Gly27Ser). This variant is present in population databases (rs140271970, gnomAD 0.05%). This variant has not been reported in the literature in individuals affected with DBR1-related conditions. Algorithms developed to predict the effect of missense changes on protein structure and function (SIFT, PolyPhen-2, Align-GVGD) all suggest that this variant is likely to be tolerated. In summary, the available evidence is currently insufficient to determine the role of this variant in disease. Therefore, it has been classified as a Variant of Uncertain Significance.